The following is an entry in ClinVar:

ClinVar aggregate classification (germline): Uncertain significance (1 of 4 stars; one submission).

gnomAD v4.1: 3 of 1,614,116 alleles (0.00019%); highest among the groups gnomAD compares: Non-Finnish European, 0.00025%; no homozygotes.

Submission:

Labcorp Genetics (formerly Invitae), Labcorp
Classification: Uncertain significance. Last evaluated: 2024-06-03. Review status: criteria provided, single submitter. Criteria: Invitae Variant Classification Sherloc (09022015). Collection method: clinical testing. Allele origin: germline.
Comment: This sequence change replaces proline, which is neutral and non-polar, with leucine, which is neutral and non-polar, at codon 205 of the EPHA4 protein (p.Pro205Leu). This variant is not present in population databases (gnomAD no frequency). This variant has not been reported in the literature in individuals affected with EPHA4-related conditions. Advanced modeling of protein sequence and biophysical properties (such as structural, functional, and spatial information, amino acid conservation, physicochemical variation, residue mobility, and thermodynamic stability) performed at Invitae indicates that this missense variant is not expected to disrupt EPHA4 protein function with a negative predictive value of 80%. In summary, the available evidence is currently insufficient to determine the role of this variant in disease. Therefore, it has been classified as a Variant of Uncertain Significance.

NM_004438.5(EPHA4):c.614C>T (p.Pro205Leu)

Gene: EPHA4 (EPH receptor A4; minus strand). Cytogenetic location: 2q36.1.
Variant type: single nucleotide variant.
Coding change: c.614C>T on transcript NM_004438.5 (MANE Select); coding-DNA position 614, C replaced by T.
Protein change: p.Pro205Leu; replaces proline 205 with leucine.
Molecular consequence: missense variant.
Genome position (GRCh38, 1-based): chr2:221,563,940, G>A on the plus strand (C>T on the coding strand, the complement: EPHA4 is on the minus strand). VCF-style: chr2-221563940-G-A. GRCh37 (hg19) VCF-style: chr2-222428660-G-A.
Other names: c.614C>T, p.Pro205Leu (NM_001304536.2, NM_001363748.2); c.461C>T, p.Pro154Leu (NM_001304537.2); short protein forms P205L, P154L.
Identifiers: ClinVar variation 3655316 (VCV003655316.2).